The following is an entry in ClinVar:

NM_000186.4(CFH):c.3532A>T (p.Asn1178Tyr)

Gene: CFH (complement factor H; plus strand). Cytogenetic location: 1q31.3.
Variant type: single nucleotide variant.
Coding change: c.3532A>T on transcript NM_000186.4 (MANE Select); coding-DNA position 3532, A replaced by T.
Protein change: p.Asn1178Tyr; replaces asparagine 1178 with tyrosine.
Molecular consequence: missense variant.
Genome position (GRCh38, 1-based): chr1:196,747,149, A>T. VCF-style: chr1-196747149-A-T. GRCh37 (hg19) VCF-style: chr1-196716279-A-T.
Other names: short protein forms N1178Y.
Identifiers: ClinVar variation 988144 (VCV000988144.1), dbSNP rs1653040605, ClinGen allele CA343987268.

ClinVar aggregate classification (germline): Uncertain significance (0 of 4 stars; one submission).

Conditions:
Atypical hemolytic-uremic syndrome. Identifiers: Orphanet 2134, MedGen C2931788, MONDO:0016244.

Allele frequency attached by ClinVar (database versions not stated): gnomAD exomes below 0.00001.
gnomAD v4.1: 1 of 1,613,870 alleles (0.000062%); highest among the groups gnomAD compares: Non-Finnish European, 0.000085%; no homozygotes.

Submission:

Sydney Genome Diagnostics, Children's Hospital Westmead
Classification: Uncertain significance for Atypical hemolytic-uremic syndrome. Last evaluated: 2018-04-17. Review status: no assertion criteria provided. Collection method: clinical testing. Allele origin: unknown. Affected: yes. Observed: 1 variant allele, 1 homozygote.
Comment: To our knowledge, this variant has not been reported in any population databases (i.e. ExAC, ESP or dbSNP), and also has not been previously reported in the literature or any disease specific databases. p.Asn1178 is a highly conserved amino acid considering 7 species. In silico analysis (through Alamut Visual v2.8.1) is inconclusive regarding this variant, PolyPhen2 and SIFT predicts it to be likely pathogenic whereas MutationTaster predicts this variant to be likely benign. This variant is considered to be a variant of unknown clinical significance (VOUS) according to the ACMG guidelines